The following is an entry in ClinVar:

NM_020366.4(RPGRIP1):c.2618A>G (p.His873Arg)

Gene: RPGRIP1 (RPGR interacting protein 1; plus strand). Cytogenetic location: 14q11.2.
Variant type: single nucleotide variant.
Coding change: c.2618A>G on transcript NM_020366.4 (MANE Select); coding-DNA position 2618, A replaced by G.
Protein change: p.His873Arg; replaces histidine 873 with arginine.
Molecular consequence: missense variant. On other transcripts: intron variant (4).
Genome position (GRCh38, 1-based): chr14:21,326,081, A>G. VCF-style: chr14-21326081-A-G. GRCh37 (hg19) VCF-style: chr14-21794240-A-G.
Other names: c.1544A>G, p.His515Arg (NM_001377948.1); c.796+1356A>G (NM_001377949.1); c.689-1542A>G (NM_001377523.1, NM_001377950.1); c.191-1542A>G (NM_001377951.1); short protein forms H873R, H515R.
Identifiers: ClinVar variation 312794 (VCV000312794.7), dbSNP rs573418252, ClinGen allele CA7089304.

ClinVar aggregate classification (germline): Uncertain significance. Review status: criteria provided, multiple submitters, no conflicts (2 of 4 stars). 4 submissions from 3 submitters: Uncertain significance (4). Last evaluated 2022-07-14.

Conditions:
Cone-rod dystrophy 13 (CORD13). Identifiers: Orphanet 1872, MedGen C2750720, MONDO:0011987, OMIM 608194.
Leber congenital amaurosis 6 (LCA6). Identifiers: Orphanet 65, MedGen C1854260, MONDO:0013446, OMIM 613826.

Allele frequency attached by ClinVar (database versions not stated): gnomAD 0.00002 and 0.00004; gnomAD exomes 0.00003 and 0.00006; TOPMed 0.00003; ExAC 0.00007; 1000 Genomes Project 0.00060; 1000 Genomes Project 30x 0.00078.
gnomAD v4.1: 43 of 1,613,540 alleles (0.0027%); highest among the groups gnomAD compares: East Asian, 0.085%; no homozygotes.

Submissions (4):

Women's Health and Genetics/Laboratory Corporation of America, LabCorp
Classification: Uncertain significance. Last evaluated: 2022-07-14. Review status: criteria provided, single submitter. Criteria: LabCorp Variant Classification Summary - May 2015. Collection method: clinical testing. Allele origin: germline.
Comment: Variant summary: RPGRIP1 c.2618A>G (p.His873Arg) results in a non-conservative amino acid change located in the C2 domain (IPR000008) of the encoded protein sequence. Three of five in-silico tools predict a benign effect of the variant on protein function. The variant allele was found at a frequency of 6.4e-05 in 248702 control chromosomes (gnomAD), predominantly at a frequency of 0.00083 within the East Asian subpopulation in the gnomAD database. This frequency is not significantly higher than expected for a pathogenic variant in RPGRIP1 causing Leber Congenital Amaurosis (6.4e-05 vs 0.0011), allowing no conclusion about variant significance. c.2618A>G has been reported in the literature as a VUS in at least one heterozygous individual affected with a retinal dystrophy (e.g. Xu_2020). This report does not provide unequivocal conclusions about association of the variant with Leber Congenital Amaurosis. To our knowledge, no experimental evidence demonstrating an impact on protein function has been reported. One clinical diagnostic laboratory has submitted a clinical-significance assessment for this variant to ClinVar after 2014 and classified the variant as uncertain significance. Based on the evidence outlined above, the variant was classified as uncertain significance.

Blueprint Genetics
Classification: Uncertain significance. Last evaluated: 2021-10-11. Review status: criteria provided, single submitter. Criteria: ACMG Guidelines, 2015. Collection method: clinical testing. Allele origin: germline.

Illumina Laboratory Services, Illumina
Classification: Uncertain significance for Leber congenital amaurosis 6. Last evaluated: 2018-01-12. Review status: criteria provided, single submitter. Criteria: ICSL Variant Classification Criteria 13 December 2019. Collection method: clinical testing. Allele origin: germline.

Illumina Laboratory Services, Illumina
Classification: Uncertain significance for Cone-rod dystrophy 13. Last evaluated: 2018-01-12. Review status: criteria provided, single submitter. Criteria: ICSL Variant Classification Criteria 13 December 2019. Collection method: clinical testing. Allele origin: germline.

Literature cited by the submitters: PubMed 31630094 (cited by Women's Health and Genetics/Laboratory Corporation of America, LabCorp).